The following is an entry in ClinVar:

NM_000138.5(FBN1):c.2727A>C (p.Glu909Asp)

Gene: FBN1 (fibrillin 1; minus strand). Cytogenetic location: 15q21.1.
Variant type: single nucleotide variant.
Coding change: c.2727A>C on transcript NM_000138.5 (MANE Select); coding-DNA position 2727, A replaced by C.
Protein change: p.Glu909Asp; replaces glutamic acid 909 with aspartic acid.
Molecular consequence: missense variant.
Genome position (GRCh38, 1-based): chr15:48,494,205, T>G on the plus strand (A>C on the coding strand, the complement: FBN1 is on the minus strand). VCF-style: chr15-48494205-T-G. GRCh37 (hg19) VCF-style: chr15-48786402-T-G.
Other names: short protein forms E909D.
Identifiers: ClinVar variation 925624 (VCV000925624.3), dbSNP rs2043583978, ClinGen allele CA392331572.
Genomic context (GRCh38, chr15:48,494,205, plus strand): 5'-TTAACACAAACATTCATTATGCACACAAAAATGTATGGTTTATAAGTAATCAGAAATACC[T>G]TCACATTGTGTTCCTTTAATTCTTGAGTACCCTTTACCACATATGGGATCTGTAATAAAA-3'
Protein context (NP_000129.3, residues 899-919): GYSRIKGTQC[Glu909Asp]DIDECEVFPG

ClinVar aggregate classification (germline): Uncertain significance (1 of 4 stars; one submission).

Conditions:
Familial thoracic aortic aneurysm and aortic dissection (TAAD). Also called: Thoracic aortic aneurysms and dissections. Identifiers: Orphanet 91387, MedGen C4707243, MONDO:0019625.

Allele frequency attached by ClinVar (database versions not stated): gnomAD exomes below 0.00001.
gnomAD v4.1: 1 of 1,610,784 alleles (0.000062%); highest among the groups gnomAD compares: East Asian, 0.0022%; no homozygotes.

Submission:

Color Diagnostics, LLC DBA Color Health
Classification: Uncertain significance for Familial thoracic aortic aneurysm and aortic dissection. Last evaluated: 2018-12-06. Review status: criteria provided, single submitter. Criteria: ACMG Guidelines, 2015. Collection method: clinical testing. Allele origin: germline.
Comment: Variant of Uncertain Significance due to insufficient evidence: This missense variant replaces glutamic acid with aspartic acid at codon 909 of the FBN1 protein. Computational prediction tools and conservation analyses are inconclusive regarding the impact of this variant on the protein function. Computational splicing tools suggest that this variant may not impact RNA splicing. To our knowledge, functional assays have not been performed for this variant nor has this variant been reported in individuals affected with cardiovascular disorders in the literature. This variant is rare in the general population and has been identified in 0/277264 chromosomes by the Genome Aggregation Database (gnomAD). Available evidence is insufficient to determine the pathogenicity of this variant conclusively.